The following is an entry in ClinVar:

ClinVar aggregate classification (germline): Uncertain significance. Review status: criteria provided, multiple submitters, no conflicts (2 of 4 stars). 4 submissions from 4 submitters: Uncertain significance (4). Last evaluated 2025-09-30.

Allele frequency attached by ClinVar (database versions not stated): gnomAD exomes 0.00005; gnomAD 0.00009; ESP Exome Variant Server 0.00008; ExAC 0.00010; TOPMed 0.00013.
gnomAD v4.1: 156 of 1,614,018 alleles (0.0097%); highest among the groups gnomAD compares: Middle Eastern, 0.016%; no homozygotes.

Submissions (4):

GeneDx
Classification: Uncertain significance. Last evaluated: 2025-09-30. Review status: criteria provided, single submitter. Criteria: GeneDx Variant Classification Process June 2021. Collection method: clinical testing. Allele origin: germline.
Comment: In silico analysis supports that this missense variant has a deleterious effect on protein structure/function; Has not been previously published as pathogenic or benign to our knowledge

Ambry Genetics
Classification: Uncertain significance. Last evaluated: 2025-03-24. Review status: criteria provided, single submitter. Criteria: Ambry Variant Classification Scheme 2023. Collection method: clinical testing. Allele origin: germline.

Labcorp Genetics (formerly Invitae), Labcorp
Classification: Uncertain significance. Last evaluated: 2025-01-15. Review status: criteria provided, single submitter. Criteria: Invitae Variant Classification Sherloc (09022015). Collection method: clinical testing. Allele origin: germline.
Comment: This sequence change replaces threonine, which is neutral and polar, with serine, which is neutral and polar, at codon 511 of the KARS protein (p.Thr511Ser). This variant is present in population databases (rs200645820, gnomAD 0.008%). This variant has not been reported in the literature in individuals affected with KARS-related conditions. ClinVar contains an entry for this variant (Variation ID: 504855). Invitae Evidence Modeling of protein sequence and biophysical properties (such as structural, functional, and spatial information, amino acid conservation, physicochemical variation, residue mobility, and thermodynamic stability) indicates that this missense variant is not expected to disrupt KARS protein function with a negative predictive value of 80%. In summary, the available evidence is currently insufficient to determine the role of this variant in disease. Therefore, it has been classified as a Variant of Uncertain Significance.

Laboratory for Molecular Medicine, Mass General Brigham Personalized Medicine
Classification: Uncertain significance. Last evaluated: 2016-08-23. Review status: criteria provided, single submitter. Criteria: LMM Criteria. Collection method: clinical testing. Allele origin: germline. Observed: 1 variant allele.
Comment: The p.Thr511Ser variant in KARS has not been reported in individuals with hearin g loss, but has been identified in 10/66720 European chromosomes by the Exome Ag gregation Consortium (ExAC; dbSNP rs200645820). Computational prediction tools and conservation analyses do not provide strong s upport for or against an impact to the protein. In summary, the clinical signifi cance of the p.Thr511Ser variant is uncertain.

NM_005548.3(KARS1):c.1448C>G (p.Thr483Ser)

Genes: KARS1 (lysyl-tRNA synthetase 1; minus strand), LOC126862402 (CDK7 strongly-dependent group 2 enhancer GRCh37_chr16:75663368-75664567; plus strand). Cytogenetic location: 16q23.1.
Variant type: single nucleotide variant.
Coding change: c.1448C>G on transcript NM_005548.3 (MANE Select); coding-DNA position 1448, C replaced by G.
Protein change: p.Thr483Ser; replaces threonine 483 with serine.
Molecular consequence: missense variant.
Genome position (GRCh38, 1-based): chr16:75,629,518, G>C on the plus strand (C>G on the coding strand, the complement: KARS1 is on the minus strand). VCF-style: chr16-75629518-G-C. GRCh37 (hg19) VCF-style: chr16-75663416-G-C.
Other names: c.1532C>G, p.Thr511Ser (NM_001130089.2); c.980C>G, p.Thr327Ser (NM_001378148.1); short protein forms T511S, T483S, T327S.
Identifiers: ClinVar variation 504855 (VCV000504855.10), dbSNP rs200645820, ClinGen allele CA8177225.
Genomic context (GRCh38, chr16:75,629,518, plus strand): 5'-TTCAGCTCAGTATACGCATTGCATATCTCTTTCTTCATGACAAACAGCTCAAAGCGCTCA[G>C]TCAGACCCTCTTTAGAGCGGTGCCTAGGGACAGGAGACCAAAGAGGAGGCTGAATATAGA-3'
Protein context (NP_005539.1, residues 473-493): AKWHRSKEGL[Thr483Ser]ERFELFVMKK